The following is an entry in ClinVar:

NM_000057.4(BLM):c.4163C>T (p.Ala1388Val)

Gene: BLM (BLM RecQ like helicase; plus strand). Cytogenetic location: 15q26.1.
Variant type: single nucleotide variant.
Coding change: c.4163C>T on transcript NM_000057.4 (MANE Select); coding-DNA position 4163, C replaced by T.
Protein change: p.Ala1388Val; replaces alanine 1388 with valine.
Molecular consequence: missense variant.
Genome position (GRCh38, 1-based): chr15:90,815,188, C>T. VCF-style: chr15-90815188-C-T. GRCh37 (hg19) VCF-style: chr15-91358418-C-T.
Other names: c.4163C>T, p.Ala1388Val (NM_001287246.2); c.3770C>T, p.Ala1257Val (NM_001287247.2); c.3038C>T, p.Ala1013Val (NM_001287248.2); short protein forms A1257V, A1013V, A1388V.
Identifiers: ClinVar variation 836855 (VCV000836855.11), dbSNP rs1567068992, ClinGen allele CA393852414.
Genomic context (GRCh38, chr15:90,815,188, plus strand): 5'-CTTCCAAAACGAAATCCTCCAGCATCATTGGATCCAGTTCAGCCTCACATACTTCTCAAG[C>T]GACATCAGGAGCCAATAGCAAATTGGGGATTATGGCTCCACCGAAGCCTATAAATAGACC-3'
Protein context (NP_000048.1, residues 1378-1398): GSSSASHTSQ[Ala1388Val]TSGANSKLGI

ClinVar aggregate classification (germline): Uncertain significance. Review status: criteria provided, multiple submitters, no conflicts (2 of 4 stars). 3 submissions from 3 submitters: Uncertain significance (2). 1 of the submissions does not count toward it. Last evaluated 2024-05-31.

Conditions:
Bloom syndrome (BLM). Also called: Bloom-Torre-Machacek syndrome. Identifiers: Orphanet 125, MedGen C0005859, MONDO:0008876, OMIM 210900.

Allele frequency attached by ClinVar (database versions not stated): gnomAD exomes below 0.00001; TOPMed below 0.00001.
gnomAD v4.1: 4 of 1,614,144 alleles (0.00025%); highest among the groups gnomAD compares: South Asian, 0.0033%; no homozygotes.

Submissions (3):

Fulgent Genetics
Classification: Uncertain significance for Bloom syndrome. Last evaluated: 2024-05-31. Review status: criteria provided, single submitter. Criteria: ACMG Guidelines, 2015. Collection method: clinical testing. Allele origin: germline.

Labcorp Genetics (formerly Invitae), Labcorp
Classification: Uncertain significance for Bloom syndrome. Last evaluated: 2024-03-02. Review status: criteria provided, single submitter. Criteria: Invitae Variant Classification Sherloc (09022015). Collection method: clinical testing. Allele origin: germline.
Comment: This sequence change replaces alanine, which is neutral and non-polar, with valine, which is neutral and non-polar, at codon 1388 of the BLM protein (p.Ala1388Val). This variant is not present in population databases (gnomAD no frequency). This variant has not been reported in the literature in individuals affected with BLM-related conditions. ClinVar contains an entry for this variant (Variation ID: 836855). Algorithms developed to predict the effect of missense changes on protein structure and function output the following: SIFT: "Not Available"; PolyPhen-2: "Benign"; Align-GVGD: "Not Available". The valine amino acid residue is found in multiple mammalian species, which suggests that this missense change does not adversely affect protein function. In summary, the available evidence is currently insufficient to determine the role of this variant in disease. Therefore, it has been classified as a Variant of Uncertain Significance.

Natera, Inc.
Classification: Uncertain significance for Bloom syndrome. Last evaluated: 2018-10-12. Review status: no assertion criteria provided. Collection method: clinical testing. Allele origin: germline. Not counted in ClinVar's aggregate classification.